The following is an entry in ClinVar:

ClinVar aggregate classification (germline): Likely pathogenic (1 of 4 stars; one submission).

Submission:

GeneDx
Classification: Likely pathogenic. Last evaluated: 2023-04-25. Review status: criteria provided, single submitter. Criteria: GeneDx Variant Classification Process June 2021. Collection method: clinical testing. Allele origin: germline. Affected: yes.
Comment: Reported in association with ATRX-related disorder in at least one individual (Wada et al., 2006; Gibbons et al., 2008); In silico analysis supports that this missense variant does not alter protein structure/function; Not observed at significant frequency in large population cohorts (gnomAD); This variant is associated with the following publications: (PMID: 16763962, 18409179, 17609377)

NM_000489.6(ATRX):c.687G>C (p.Leu229Phe)

Gene: ATRX (ATRX chromatin remodeler; minus strand). Cytogenetic location: Xq21.1.
Variant type: single nucleotide variant.
Coding change: c.687G>C on transcript NM_000489.6 (MANE Select); coding-DNA position 687, G replaced by C.
Protein change: p.Leu229Phe; replaces leucine 229 with phenylalanine.
Molecular consequence: missense variant.
Genome position (GRCh38, 1-based): chrX:77,684,569, C>G on the plus strand (G>C on the coding strand, the complement: ATRX is on the minus strand). VCF-style: chrX-77684569-C-G. GRCh37 (hg19) VCF-style: chrX-76940061-C-G.
Other names: c.573G>C, p.Leu191Phe (NM_138270.5); short protein forms L191F, L229F.
Identifiers: ClinVar variation 2500668 (VCV002500668.1), dbSNP rs2148640122, ClinGen allele CA413720898.